The following is an entry in ClinVar:

NM_005259.3(MSTN):c.263G>A (p.Arg88Gln)

Genes: MSTN (myostatin; minus strand), AKAP19 (A-kinase anchoring protein 19; plus strand). Cytogenetic location: 2q32.2.
Variant type: single nucleotide variant.
Coding change: c.263G>A on transcript NM_005259.3 (MANE Select); coding-DNA position 263, G replaced by A.
Protein change: p.Arg88Gln; replaces arginine 88 with glutamine.
Molecular consequence: missense variant.
Genome position (GRCh38, 1-based): chr2:190,062,334, C>T on the plus strand (G>A on the coding strand, the complement: MSTN is on the minus strand). VCF-style: chr2-190062334-C-T. GRCh37 (hg19) VCF-style: chr2-190927060-C-T.
Other names: c.263G>A (LRG_200t1); short protein forms R88Q.
Identifiers: ClinVar variation 333242 (VCV000333242.48), dbSNP rs138343163, ClinGen allele CA2027184.
Genomic context (GRCh38, chr2:190,062,334, plus strand): 5'-TCTTCCAAAGAGCCATCGCTGCTGTCATCCCTCTGGACATCATACTGATCAATCAGTTCC[C>T]GGAGTGGAGGAGCTTTGGGTAAAAGTTGTCTTATAACATCTTTGCTGATGTTAGGAGCTG-3'
Protein context (NP_005250.1, residues 78-98): RQLLPKAPPL[Arg88Gln]ELIDQYDVQR

ClinVar aggregate classification (germline): Conflicting classifications of pathogenicity. Review status: criteria provided, conflicting classifications (1 of 4 stars). 3 submissions from 3 submitters: Uncertain significance (1); Benign (1). 1 of the submissions does not count toward it. Last evaluated 2018-06-01.

Conditions:
Myostatin-related muscle hypertrophy (MSLHP). Also called: MUSCLE HYPERTROPHY. Identifiers: Orphanet 275534, MedGen C2931112, MONDO:0013598, OMIM 614160.
MSTN-related disorder. Also called: MSTN-related condition.

Allele frequency attached by ClinVar (database versions not stated): 1000 Genomes Project 30x 0.00016; 1000 Genomes Project 0.00020; ExAC 0.00117; gnomAD 0.00123 and 0.00129; TOPMed 0.00125; gnomAD exomes 0.00134 and 0.00158; ESP Exome Variant Server 0.00192.
gnomAD v4.1: 2,494 of 1,613,274 alleles (0.15%); highest among the groups gnomAD compares: Non-Finnish European, 0.17%; 1 homozygote.

Submissions (3):

CeGaT Center for Human Genetics Tuebingen
Classification: Uncertain significance. Last evaluated: 2018-06-01. Review status: criteria provided, single submitter. Criteria: CeGaT Center For Human Genetics Tuebingen Variant Classification Criteria Version 2. Collection method: clinical testing. Allele origin: germline. Affected: yes. Observed: 1 variant allele.

Illumina Laboratory Services, Illumina
Classification: Benign for Myostatin-related muscle hypertrophy. Last evaluated: 2018-01-12. Review status: criteria provided, single submitter. Criteria: ICSL Variant Classification Criteria 13 December 2019. Collection method: clinical testing. Allele origin: germline.
Comment: This variant was observed in the ICSL laboratory as part of a predisposition screen in an ostensibly healthy population. It had not been previously curated by ICSL or reported in the Human Gene Mutation Database (HGMD: prior to June 1st, 2018), and was therefore a candidate for classification through an automated scoring system. Utilizing variant allele frequency, disease prevalence and penetrance estimates, and inheritance mode, an automated score was calculated to assess if this variant is too frequent to cause the disease. Based on the score and internal cut-off values, a variant classified as benign is not then subjected to further curation. The score for this variant resulted in a classification of benign for this disease.

PreventionGenetics, part of Exact Sciences
Classification: Benign for MSTN-related condition. Last evaluated: 2019-09-26. Review status: no assertion criteria provided. Collection method: clinical testing. Allele origin: germline. Not counted in ClinVar's aggregate classification.
Comment: This variant is classified as benign based on ACMG/AMP sequence variant interpretation guidelines (Richards et al. 2015 PMID: 25741868, with internal and published modifications).